The following is an entry in ClinVar:

NC_000008.11:g.103415313C>T

Gene: SLC25A32 (solute carrier family 25 member 32; minus strand). Cytogenetic location: 8q22.3.
Variant type: single nucleotide variant.
Genome position: GRCh38 VCF-style: chr8-103415313-C-T. GRCh37 (hg19) VCF-style: chr8-104427541-C-T.
Identifiers: ClinVar variation 1280143 (VCV001280143.3), dbSNP rs3134296, ClinGen allele CA4835735.
Genomic context (GRCh38, chr8:103,415,313, plus strand): 5'-AACCGCCCCTTGCTAACGTTTGCCGGCAAAACTACGGAGCGGCGCAGGATCCAGTTGAGC[C>T]AGCAGGCCGCCGCTCCGCGAGTCACGTGACTGGAAGTAGTCTGGGAAAAGCGGAAGTCGC-3'

ClinVar aggregate classification (germline): Benign. Review status: criteria provided, multiple submitters, no conflicts (2 of 4 stars). 2 submissions from 2 submitters: Benign (2). Last evaluated 2019-04-07.

Allele frequency attached by ClinVar (database versions not stated): ESP Exome Variant Server 0.14243; gnomAD exomes 0.15629 and 0.18358; gnomAD 0.16107 and 0.16599; TOPMed 0.16207; ExAC 0.18459; 1000 Genomes Project 30x 0.21533; 1000 Genomes Project 0.22204.

Submissions (2):

GeneDx
Classification: Benign. Last evaluated: 2019-04-07. Review status: criteria provided, single submitter. Criteria: GeneDx Variant Classification Process June 2021. Collection method: clinical testing. Allele origin: germline. Affected: yes.
Comment: This variant is associated with the following publications: (PMID: 20601284)

Breakthrough Genomics
Classification: Benign. Review status: criteria provided, single submitter. Criteria: ACMG Guidelines, 2015. Collection method: not provided. Allele origin: germline. Inheritance: Autosomal recessive inheritance. Affected: yes.